The following is an entry in ClinVar:

NM_000089.4(COL1A2):c.2967_2984dup (p.Pro995_Arg996insAlaGlyAlaValGlyPro)

Gene: COL1A2 (collagen type I alpha 2 chain; plus strand). Cytogenetic location: 7q21.3.
Variant type: Duplication.
Coding change: c.2967_2984dup on transcript NM_000089.4 (MANE Select); coding-DNA positions 2967 to 2984, 18 bases duplicated (TGCTGGTGCTGTTGGCCC).
Protein change: p.Pro995_Arg996insAlaGlyAlaValGlyPro.
Genome position (GRCh38, 1-based): chr7:94,426,021-94,426,038, TGCTGGTGCTGTTGGCCC duplicated; duplicating any 18 consecutive bases within chr7:94,426,019-94,426,038 gives the same sequence; the c. name uses the placement nearest the transcript's 3' end. VCF-style (leftmost placement, unchanged base first): chr7-94426018-T-TCCTGCTGGTGCTGTTGGC. GRCh37 (hg19) VCF-style: chr7-94055330-T-TCCTGCTGGTGCTGTTGGC.
Identifiers: ClinVar variation 4075353 (VCV004075353.1).

ClinVar aggregate classification (germline): Likely pathogenic (1 of 4 stars; one submission).

Conditions:
Osteogenesis imperfecta type III (OI3). Also called: Progressively Deforming Osteogenesis Imperfecta; Osteogenesis imperfecta type 3; OI type 3; Osteogenesis imperfecta, progressively deforming with normal sclerae; OI type III. Identifiers: Orphanet 216812, Orphanet 666, MedGen C0268362, MONDO:0009804, OMIM 259420.

Submission:

Clinical Biomedical Laboratory, Shriners Hospital For Children - Canada
Classification: Likely pathogenic for Osteogenesis imperfecta type III. Last evaluated: 2025-07-16. Review status: criteria provided, single submitter. Criteria: ACMG Guidelines, 2015. Collection method: clinical testing. Allele origin: germline. Affected: yes.
Comment: This variant introduces an in-frame insertion in the alpha 2 chain of collagen type I. In-frame insertions in the triple helical domain of collagen type I cause disruption in the formation of the triple helix in the collagen molecule and are a typical cause of severe osteogenesis imperfecta. This variant is absent from the Genome Aggregation Database v2.1.1., indicating it is very rare.